The following is an entry in ClinVar:

NM_003632.3(CNTNAP1):c.3239C>T (p.Thr1080Met)

Gene: CNTNAP1 (contactin associated protein 1; plus strand). Cytogenetic location: 17q21.2.
Variant type: single nucleotide variant.
Coding change: c.3239C>T on transcript NM_003632.3 (MANE Select); coding-DNA position 3239, C replaced by T.
Protein change: p.Thr1080Met; replaces threonine 1080 with methionine.
Molecular consequence: missense variant.
Genome position (GRCh38, 1-based): chr17:42,695,767, C>T. VCF-style: chr17-42695767-C-T. GRCh37 (hg19) VCF-style: chr17-40847785-C-T.
Other names: short protein forms T1080M.
Identifiers: ClinVar variation 2300952 (VCV002300952.4), dbSNP rs372272058, ClinGen allele CA8582267.

ClinVar aggregate classification (germline): Conflicting classifications of pathogenicity. Review status: criteria provided, conflicting classifications (1 of 4 stars). 3 submissions from 3 submitters: Uncertain significance (2); Likely benign (1). Last evaluated 2026-01-21.

Conditions:
Neuropathy, congenital hypomyelinating, 3. Identifiers: MedGen C4748608, MONDO:0020766, OMIM 618186.
Lethal congenital contracture syndrome 7 (LCCS7). Identifiers: MedGen C4225386, MONDO:0014569, OMIM 616286.
Inborn genetic diseases. Identifiers: MedGen C0950123, MeSH D030342.

Allele frequency attached by ClinVar (database versions not stated): ExAC 0.00003; gnomAD 0.00004; ESP Exome Variant Server 0.00008.
gnomAD v4.1: 34 of 1,614,096 alleles (0.0021%); highest among the groups gnomAD compares: Middle Eastern, 0.049%; no homozygotes.

Submissions (3):

GeneDx
Classification: Uncertain significance. Last evaluated: 2026-01-21. Review status: criteria provided, single submitter. Criteria: GeneDx Variant Classification Process June 2021. Collection method: clinical testing. Allele origin: germline.
Comment: Not observed at significant frequency in large population cohorts (gnomAD); In silico analysis supports that this missense variant has a deleterious effect on protein structure/function; Has not been previously published as pathogenic or benign to our knowledge

3billion
Classification: Likely benign for Neuropathy, congenital hypomyelinating, 3; Lethal congenital contracture syndrome 7. Last evaluated: 2024-09-20. Review status: criteria provided, single submitter. Criteria: ACMG Guidelines, 2015. Collection method: clinical testing. Allele origin: germline. Affected: no.
Comment: The homozygous variant was found in patients diagnosed with another variant in a different gene, with no symptoms related to the gene containing the homozygous variant.

Ambry Genetics
Classification: Uncertain significance for Inborn genetic diseases. Last evaluated: 2022-07-12. Review status: criteria provided, single submitter. Criteria: Ambry Variant Classification Scheme 2023. Collection method: clinical testing. Allele origin: germline.